The following is an entry in ClinVar:

ClinVar aggregate classification (germline): Likely pathogenic (1 of 4 stars; one submission).

Conditions:
Hereditary cancer-predisposing syndrome. Also called: Tumor predisposition; Hereditary neoplastic syndrome; Hereditary Cancer Syndrome; Neoplastic Syndromes, Hereditary. Identifiers: Orphanet 140162, MedGen C0027672, MeSH D009386, MONDO:0015356.

Submission:

Ambry Genetics
Classification: Likely pathogenic for Hereditary cancer-predisposing syndrome. Last evaluated: 2024-01-15. Review status: criteria provided, single submitter. Criteria: Ambry Variant Classification Scheme 2023. Collection method: clinical testing. Allele origin: germline.
Comment: The c.903_986+35del119 variant results from a deletion of 119 nucleotides between positions c.903 and c.986+35 and involves the canonical splice donor site after coding exon 7 of the SMARCB1 gene. The canonical splice donor site is highly conserved in available vertebrate species. In silico splice site analysis predicts that this alteration will weaken the native splice donor site; however, the exact impact of this deletion on SMARCB1 splicing and function is currently unknown. Alterations that disrupt the canonical splice site are expected to cause aberrant splicing, resulting in an abnormal protein or a transcript that is subject to nonsense-mediated mRNA decay. Based on the supporting evidence, this alteration is likely pathogenic for SMARCB1-related tumor predisposition syndrome; however, the association of this alteration with Coffin-Siris syndrome is unknown.

NM_003073.5(SMARCB1):c.903_986+35del

Gene: SMARCB1 (SWI/SNF related BAF chromatin remodeling complex subunit B1; plus strand). Cytogenetic location: 22q11.23.
Variant type: Deletion.
Coding change: c.903_986+35del on transcript NM_003073.5 (MANE Select); coding-DNA position 903 through 35 bases into the intron after coding-DNA position 986, 119 bases deleted.
Molecular consequence: splice donor variant.
Genome position (GRCh38, 1-based): chr22:23,825,332-23,825,450, 119 bases deleted. GRCh37 (hg19): chr22:24,167,519-24,167,637.
Other names: c.957_1040+35del (NM_001362877.2); c.930_1013+35del (NM_001317946.2); c.876_959+35del (NM_001007468.3).
Identifiers: ClinVar variation 3223091 (VCV003223091.1), dbSNP rs2517724673, ClinGen allele CA2825002864.